The following is an entry in ClinVar:

NM_199420.4(POLQ):c.5611G>A (p.Gly1871Ser)

Gene: POLQ (DNA polymerase theta; minus strand). Cytogenetic location: 3q13.33.
Variant type: single nucleotide variant.
Coding change: c.5611G>A on transcript NM_199420.4 (MANE Select); coding-DNA position 5611, G replaced by A.
Protein change: p.Gly1871Ser; replaces glycine 1871 with serine.
Molecular consequence: missense variant.
Genome position (GRCh38, 1-based): chr3:121,487,320, C>T on the plus strand (G>A on the coding strand, the complement: POLQ is on the minus strand). VCF-style: chr3-121487320-C-T. GRCh37 (hg19) VCF-style: chr3-121206167-C-T.
Other names: short protein forms G1871S.
Identifiers: ClinVar variation 2563797 (VCV002563797.2), dbSNP rs1260904755, ClinGen allele CA354089802.

ClinVar aggregate classification (germline): Uncertain significance (1 of 4 stars; one submission).

Allele frequency attached by ClinVar (database versions not stated): gnomAD exomes below 0.00001.

Submission:

Ambry Genetics
Classification: Uncertain significance. Last evaluated: 2023-04-13. Review status: criteria provided, single submitter. Criteria: Ambry Variant Classification Scheme 2023. Collection method: clinical testing. Allele origin: germline.
Comment: The p.G1871S variant (also known as c.5611G>A), located in coding exon 16 of the POLQ gene, results from a G to A substitution at nucleotide position 5611. The glycine at codon 1871 is replaced by serine, an amino acid with similar properties. This amino acid position is conserved. In addition, the in silico prediction for this alteration is inconclusive. Since supporting evidence is limited at this time, the clinical significance of this alteration remains unclear.